The following is an entry in ClinVar:

ClinVar aggregate classification (germline): Uncertain significance (1 of 4 stars; one submission).

Allele frequency attached by ClinVar (database versions not stated): gnomAD 0.00003 and 0.00005; TOPMed 0.00005; 1000 Genomes Project 30x 0.00016; 1000 Genomes Project 0.00020.
gnomAD v4.1: 36 of 1,614,074 alleles (0.0022%); highest among the groups gnomAD compares: Middle Eastern, 0.017%; no homozygotes.

Submission:

Labcorp Genetics (formerly Invitae), Labcorp
Classification: Uncertain significance. Last evaluated: 2021-08-14. Review status: criteria provided, single submitter. Criteria: Invitae Variant Classification Sherloc (09022015). Collection method: clinical testing. Allele origin: germline.
Comment: This sequence change replaces threonine with methionine at codon 562 of the HPS5 protein (p.Thr562Met). The threonine residue is weakly conserved and there is a moderate physicochemical difference between threonine and methionine. This variant is present in population databases (rs150421998, ExAC 0.01%). This variant has not been reported in the literature in individuals affected with HPS5-related conditions. Algorithms developed to predict the effect of missense changes on protein structure and function (SIFT, PolyPhen-2, Align-GVGD) all suggest that this variant is likely to be tolerated. In summary, the available evidence is currently insufficient to determine the role of this variant in disease. Therefore, it has been classified as a Variant of Uncertain Significance.

NM_181507.2(HPS5):c.1685C>T (p.Thr562Met)

Gene: HPS5 (HPS5 biogenesis of lysosomal organelles complex 2 subunit 2; minus strand). Cytogenetic location: 11p15.1.
Variant type: single nucleotide variant.
Coding change: c.1685C>T on transcript NM_181507.2 (MANE Select); coding-DNA position 1685, C replaced by T.
Protein change: p.Thr562Met; replaces threonine 562 with methionine.
Molecular consequence: missense variant.
Genome position (GRCh38, 1-based): chr11:18,295,119, G>A on the plus strand (C>T on the coding strand, the complement: HPS5 is on the minus strand). VCF-style: chr11-18295119-G-A. GRCh37 (hg19) VCF-style: chr11-18316666-G-A.
Other names: c.1343C>T, p.Thr448Met (NM_007216.4, NM_181508.2); short protein forms T448M, T562M.
Identifiers: ClinVar variation 1346346 (VCV001346346.5), dbSNP rs150421998, ClinGen allele CA5910038.